The following is an entry in ClinVar:

NM_003079.5(SMARCE1):c.38C>A (p.Pro13Gln)

Gene: SMARCE1 (SWI/SNF related BAF chromatin remodeling complex subunit E1; minus strand). Cytogenetic location: 17q21.2.
Variant type: single nucleotide variant.
Coding change: c.38C>A on transcript NM_003079.5 (MANE Select); coding-DNA position 38, C replaced by A.
Protein change: p.Pro13Gln; replaces proline 13 with glutamine.
Molecular consequence: missense variant.
Genome position (GRCh38, 1-based): chr17:40,645,589, G>T on the plus strand (C>A on the coding strand, the complement: SMARCE1 is on the minus strand). VCF-style: chr17-40645589-G-T. GRCh37 (hg19) VCF-style: chr17-38801841-G-T.
Other names: short protein forms P13Q.
Identifiers: ClinVar variation 4742363 (VCV004742363.1).

ClinVar aggregate classification (germline): Uncertain significance (1 of 4 stars; one submission).

Conditions:
Familial meningioma. Also called: Meningioma, familial, susceptibility to. Identifiers: Orphanet 263662, MedGen C3551915, MONDO:0011789, OMIM 607174.

Submission:

Labcorp Genetics (formerly Invitae), Labcorp
Classification: Uncertain significance for Familial meningioma. Last evaluated: 2025-03-18. Review status: criteria provided, single submitter. Criteria: Invitae Variant Classification Sherloc (09022015). Collection method: clinical testing. Allele origin: germline.
Comment: This sequence change replaces proline, which is neutral and non-polar, with glutamine, which is neutral and polar, at codon 13 of the SMARCE1 protein (p.Pro13Gln). This variant is not present in population databases (gnomAD no frequency). This variant has not been reported in the literature in individuals affected with SMARCE1-related conditions. Invitae Evidence Modeling of protein sequence and biophysical properties (such as structural, functional, and spatial information, amino acid conservation, physicochemical variation, residue mobility, and thermodynamic stability) indicates that this missense variant is not expected to disrupt SMARCE1 protein function with a negative predictive value of 80%. In summary, the available evidence is currently insufficient to determine the role of this variant in disease. Therefore, it has been classified as a Variant of Uncertain Significance.